The following is an entry in ClinVar:

NM_001164508.2(NEB):c.18847C>T (p.Pro6283Ser)

Gene: NEB (nebulin; minus strand). Cytogenetic location: 2q23.3.
Variant type: single nucleotide variant.
Coding change: c.18847C>T on transcript NM_001164508.2 (MANE Select); coding-DNA position 18847, C replaced by T.
Protein change: p.Pro6283Ser; replaces proline 6283 with serine.
Molecular consequence: missense variant.
Genome position (GRCh38, 1-based): chr2:151,562,655, G>A on the plus strand (C>T on the coding strand, the complement: NEB is on the minus strand). VCF-style: chr2-151562655-G-A. GRCh37 (hg19) VCF-style: chr2-152419169-G-A.
Other names: c.18847C>T, p.Pro6283Ser (NM_001164507.2, NM_001271208.2); c.13744C>T, p.Pro4582Ser (NM_004543.5); short protein forms P4582S, P6283S.
Identifiers: ClinVar variation 1920644 (VCV001920644.2), dbSNP rs2096144047, ClinGen allele CA348797450.
Genomic context (GRCh38, chr2:151,562,655, plus strand): 5'-AGAAGGGACATCATACATCACTCAAGATCTCCTGGGCGTTTCGGACGCGTATAACATTGG[G>A]TTCTTCCAGAAGAGACGTCCACTGGTGGAAATAGTGTCGATACTCCAGGTCACTGAGGAT-3'
Protein context (NP_001157980.2, residues 6273-6293): FHQWTSLLEE[Pro6283Ser]NVIRVRNAQE

ClinVar aggregate classification (germline): Uncertain significance (1 of 4 stars; one submission).

Conditions:
Nemaline myopathy 2 (NEM2). Also called: Nemaline myopathy 2, autosomal recessive. Identifiers: MedGen C1850569, MONDO:0009725, OMIM 256030.

Allele frequency attached by ClinVar (database versions not stated): gnomAD 0.00001; TOPMed 0.00001.
gnomAD v4.1: 1 of 1,595,392 alleles (0.000063%); highest among the groups gnomAD compares: African/African-American, 0.0013%; no homozygotes.

Submission:

Labcorp Genetics (formerly Invitae), Labcorp
Classification: Uncertain significance for Nemaline myopathy 2. Last evaluated: 2021-06-23. Review status: criteria provided, single submitter. Criteria: Invitae Variant Classification Sherloc (09022015). Collection method: clinical testing. Allele origin: germline.
Comment: This sequence change replaces proline with serine at codon 6283 of the NEB protein (p.Pro6283Ser). The proline residue is moderately conserved and there is a moderate physicochemical difference between proline and serine. This variant is not present in population databases (ExAC no frequency). This variant has not been reported in the literature in individuals with NEB-related conditions. Algorithms developed to predict the effect of missense changes on protein structure and function are either unavailable or do not agree on the potential impact of this missense change (SIFT: "Deleterious"; PolyPhen-2: "Not Available"; Align-GVGD: "Class C0"). In summary, the available evidence is currently insufficient to determine the role of this variant in disease. Therefore, it has been classified as a Variant of Uncertain Significance.